The following is an entry in ClinVar:

NM_000037.4(ANK1):c.2821C>T (p.Arg941Trp)

Gene: ANK1 (ankyrin 1; minus strand). Cytogenetic location: 8p11.21.
Variant type: single nucleotide variant.
Coding change: c.2821C>T on transcript NM_000037.4 (MANE Select); coding-DNA position 2821, C replaced by T.
Protein change: p.Arg941Trp; replaces arginine 941 with tryptophan.
Molecular consequence: missense variant.
Genome position (GRCh38, 1-based): chr8:41,696,502, G>A on the plus strand (C>T on the coding strand, the complement: ANK1 is on the minus strand). VCF-style: chr8-41696502-G-A. GRCh37 (hg19) VCF-style: chr8-41554020-G-A.
Other names: c.2944C>T, p.Arg982Trp (NM_001142446.2); c.2821C>T, p.Arg941Trp (NM_020475.3, NM_020476.3, NM_020477.3); short protein forms R941W, R982W.
Identifiers: ClinVar variation 2428922 (VCV002428922.3), dbSNP rs375019877, ClinGen allele CA4728076.
Genomic context (GRCh38, chr8:41,696,502, plus strand): 5'-TGCTGAGCTTCTGGGGCTTGACCAGGCGGCAGGTGATGCGGGTGGGCGCTGCGCACGTCC[G>A]TGGCGGGATCACCACTCGCAGGCCGTTGTGGCGACTTCCTCTCATGGAACCACCCCGGGC-3'
Protein context (NP_000028.3, residues 931-951): HNGLRVVIPP[Arg941Trp]TCAAPTRITC

ClinVar aggregate classification (germline): Uncertain significance (1 of 4 stars; one submission).

Allele frequency attached by ClinVar (database versions not stated): gnomAD 0.00001; TOPMed 0.00001; ExAC 0.00003; ESP Exome Variant Server 0.00008.
gnomAD v4.1: 27 of 1,613,392 alleles (0.0017%); highest among the groups gnomAD compares: South Asian, 0.015%; no homozygotes.

Submission:

GeneDx
Classification: Uncertain significance. Last evaluated: 2022-08-04. Review status: criteria provided, single submitter. Criteria: GeneDx Variant Classification Process June 2021. Collection method: clinical testing. Allele origin: germline. Affected: yes.
Comment: In silico analysis supports that this missense variant has a deleterious effect on protein structure/function; Has not been previously published as pathogenic or benign to our knowledge